The following is an entry in ClinVar:

ClinVar aggregate classification (germline): Uncertain significance. Review status: criteria provided, multiple submitters, no conflicts (2 of 4 stars). 2 submissions from 2 submitters: Uncertain significance (2). Last evaluated 2025-10-14.

Conditions:
Fanconi anemia (FA). Also called: Fanconi's anemia. Identifiers: Orphanet 84, MedGen C0015625, MeSH D005199, MONDO:0019391.
Hereditary cancer-predisposing syndrome. Also called: Hereditary Cancer Syndrome; Tumor predisposition; Hereditary neoplastic syndrome; Neoplastic Syndromes, Hereditary. Identifiers: Orphanet 140162, MedGen C0027672, MeSH D009386, MONDO:0015356.

Submissions (2):

Ambry Genetics
Classification: Uncertain significance for Hereditary cancer-predisposing syndrome. Last evaluated: 2025-10-14. Review status: criteria provided, single submitter. Criteria: Ambry Variant Classification Scheme 2023. Collection method: clinical testing. Allele origin: germline.
Comment: The p.L8F variant (also known as c.22C>T), located in coding exon 1 of the FANCC gene, results from a C to T substitution at nucleotide position 22. The leucine at codon 8 is replaced by phenylalanine, an amino acid with highly similar properties. This amino acid position is conserved. In addition, this alteration is predicted to be tolerated by in silico analysis. Based on the available evidence, the clinical significance of this variant remains unclear.

Labcorp Genetics (formerly Invitae), Labcorp
Classification: Uncertain significance for Fanconi anemia. Last evaluated: 2024-08-04. Review status: criteria provided, single submitter. Criteria: Invitae Variant Classification Sherloc (09022015). Collection method: clinical testing. Allele origin: germline.
Comment: This sequence change replaces leucine, which is neutral and non-polar, with phenylalanine, which is neutral and non-polar, at codon 8 of the FANCC protein (p.Leu8Phe). This variant is not present in population databases (gnomAD no frequency). This variant has not been reported in the literature in individuals affected with FANCC-related conditions. Advanced modeling of protein sequence and biophysical properties (such as structural, functional, and spatial information, amino acid conservation, physicochemical variation, residue mobility, and thermodynamic stability) performed at Invitae indicates that this missense variant is not expected to disrupt FANCC protein function with a negative predictive value of 80%. In summary, the available evidence is currently insufficient to determine the role of this variant in disease. Therefore, it has been classified as a Variant of Uncertain Significance.

NM_000136.3(FANCC):c.22C>T (p.Leu8Phe)

Gene: FANCC (FA complementation group C; minus strand). Cytogenetic location: 9q22.32.
Variant type: single nucleotide variant.
Coding change: c.22C>T on transcript NM_000136.3 (MANE Select); coding-DNA position 22, C replaced by T.
Protein change: p.Leu8Phe; replaces leucine 8 with phenylalanine.
Molecular consequence: missense variant.
Genome position (GRCh38, 1-based): chr9:95,249,270, G>A on the plus strand (C>T on the coding strand, the complement: FANCC is on the minus strand). VCF-style: chr9-95249270-G-A. GRCh37 (hg19) VCF-style: chr9-98011552-G-A.
Other names: c.22C>T, p.Leu8Phe (NM_001243743.2, NM_001243744.2); short protein forms L8F.
Identifiers: ClinVar variation 3661333 (VCV003661333.3).